The following is an entry in ClinVar:

ClinVar aggregate classification (germline): Pathogenic/Likely pathogenic. Review status: criteria provided, multiple submitters, no conflicts (2 of 4 stars). 2 submissions from 2 submitters: Pathogenic (1); Likely pathogenic (1). Last evaluated 2024-03-21.

Conditions:
Spinocerebellar ataxia 43 (SCA43). Identifiers: Orphanet 497764, MedGen C4310763, MONDO:0014867, OMIM 617018.

Allele frequency attached by ClinVar (database versions not stated): gnomAD 0.00001 and 0.00002; gnomAD exomes 0.00001 and 0.00003; ExAC 0.00002; TOPMed 0.00002; ESP Exome Variant Server 0.00008.
gnomAD v4.1: 23 of 1,613,902 alleles (0.0014%); highest among the groups gnomAD compares: Middle Eastern, 0.016%; no homozygotes.

Submissions (2):

Labcorp Genetics (formerly Invitae), Labcorp
Classification: Pathogenic. Last evaluated: 2024-03-21. Review status: criteria provided, single submitter. Criteria: Invitae Variant Classification Sherloc (09022015). Collection method: clinical testing. Allele origin: germline.
Comment: This sequence change creates a premature translational stop signal (p.Arg23*) in the MME gene. It is expected to result in an absent or disrupted protein product. Loss-of-function variants in MME are known to be pathogenic (PMID: 26991897). This variant is present in population databases (rs150836510, gnomAD 0.01%). This variant has not been reported in the literature in individuals affected with MME-related conditions. ClinVar contains an entry for this variant (Variation ID: 1068898). For these reasons, this variant has been classified as Pathogenic.

Human Genetics Bochum, Ruhr University Bochum
Classification: Likely pathogenic for Spinocerebellar ataxia 43. Last evaluated: 2024-03-06. Review status: criteria provided, single submitter. Criteria: ACMG Guidelines, 2015. Collection method: clinical testing. Allele origin: germline. Affected: yes.
Comment: ACMG criteria used to clasify this variant: PVS1, PM2_SUP

Literature cited by the submitters: PubMed 26991897 (cited by Labcorp Genetics (formerly Invitae), Labcorp).

NM_007289.4(MME):c.67C>T (p.Arg23Ter)

Gene: MME (membrane metalloendopeptidase; plus strand). Cytogenetic location: 3q25.2.
Variant type: single nucleotide variant.
Coding change: c.67C>T on transcript NM_007289.4 (MANE Select); coding-DNA position 67, C replaced by T.
Protein change: p.Arg23Ter; replaces arginine 23 with a stop codon.
Molecular consequence: nonsense.
Genome position (GRCh38, 1-based): chr3:155,084,234, C>T. VCF-style: chr3-155084234-C-T. GRCh37 (hg19) VCF-style: chr3-154802023-C-T.
Other names: c.67C>T, p.Arg23Ter (NM_000902.5, NM_001354642.2, NM_001354643.1 and 3 more transcripts); short protein forms R23*.
Identifiers: ClinVar variation 1068898 (VCV001068898.8), dbSNP rs150836510, ClinGen allele CA2674999.